The following is an entry in ClinVar:

NM_032242.4(PLXNA1):c.4790C>T (p.Ser1597Leu)

Gene: PLXNA1 (plexin A1; plus strand). Cytogenetic location: 3q21.3.
Variant type: single nucleotide variant.
Coding change: c.4790C>T on transcript NM_032242.4 (MANE Select); coding-DNA position 4790, C replaced by T.
Protein change: p.Ser1597Leu; replaces serine 1597 with leucine.
Molecular consequence: missense variant.
Genome position (GRCh38, 1-based): chr3:127,029,456, C>T. VCF-style: chr3-127029456-C-T. GRCh37 (hg19) VCF-style: chr3-126748299-C-T.
Other names: short protein forms S1597L.
Identifiers: ClinVar variation 2590354 (VCV002590354.5), dbSNP rs201832587, ClinGen allele CA2594505.

ClinVar aggregate classification (germline): Uncertain significance. Review status: criteria provided, multiple submitters, no conflicts (2 of 4 stars). 2 submissions from 2 submitters: Uncertain significance (2). Last evaluated 2025-09-22.

Conditions:
PLXNA1-related disorder. Also called: PLXNA1-related condition.

Allele frequency attached by ClinVar (database versions not stated): TOPMed 0.00004; gnomAD 0.00008; gnomAD exomes 0.00010; ExAC 0.00042.
gnomAD v4.1: 176 of 1,613,712 alleles (0.011%); highest among the groups gnomAD compares: Non-Finnish European, 0.009%; no homozygotes.

Submissions (2):

PreventionGenetics, part of Exact Sciences
Classification: Uncertain significance for PLXNA1-related condition. Last evaluated: 2025-09-22. Review status: criteria provided, single submitter. Criteria: ACMG Guidelines, 2015. Collection method: clinical testing. Allele origin: germline.
Comment: The PLXNA1 c.4790C>T variant is predicted to result in the amino acid substitution p.Ser1597Leu. To our knowledge, this variant has not been reported in the literature. This variant is reported in 0.044% of alleles in individuals of European (Finnish) descent in gnomAD, including one homozygote, which may be too frequent to be a primary cause of disease. Although we suspect that this variant may be benign, at this time, the clinical significance of this variant is uncertain due to the absence of conclusive functional and genetic evidence.

Ambry Genetics
Classification: Uncertain significance. Last evaluated: 2023-09-14. Review status: criteria provided, single submitter. Criteria: Ambry Variant Classification Scheme 2023. Collection method: clinical testing. Allele origin: germline.